The following is an entry in ClinVar:

NM_014413.4(EIF2AK1):c.94G>A (p.Glu32Lys)

Genes: EIF2AK1 (eukaryotic translation initiation factor 2 alpha kinase 1; minus strand), LOC129997920 (ATAC-STARR-seq lymphoblastoid silent region 17933; plus strand). Cytogenetic location: 7p22.1.
Variant type: single nucleotide variant.
Coding change: c.94G>A on transcript NM_014413.4 (MANE Select); coding-DNA position 94, G replaced by A.
Protein change: p.Glu32Lys; replaces glutamic acid 32 with lysine.
Molecular consequence: missense variant.
Genome position (GRCh38, 1-based): chr7:6,058,990, C>T on the plus strand (G>A on the coding strand, the complement: EIF2AK1 is on the minus strand). VCF-style: chr7-6058990-C-T. GRCh37 (hg19) VCF-style: chr7-6098621-C-T.
Other names: c.94G>A, p.Glu32Lys (NM_001134335.2); c.94G>A (NM_014413.3); short protein forms E32K.
Identifiers: ClinVar variation 2046937 (VCV002046937.6), dbSNP rs754406613, ClinGen allele CA4151380.

ClinVar aggregate classification (germline): Conflicting classifications of pathogenicity. Review status: criteria provided, conflicting classifications (1 of 4 stars). 3 submissions from 3 submitters: Uncertain significance (2); Likely benign (1). Last evaluated 2026-05-22.

Conditions:
EIF2AK1-related disorder. Also called: EIF2AK1-related condition.

Allele frequency attached by ClinVar (database versions not stated): gnomAD 0.00020; TOPMed 0.00023; ExAC 0.00046.

Submissions (3):

PreventionGenetics, part of Exact Sciences
Classification: Likely benign for EIF2AK1-related condition. Last evaluated: 2026-05-22. Review status: criteria provided, single submitter. Criteria: ACMG Guidelines, 2015. Collection method: clinical testing. Allele origin: germline.
Comment: This variant is classified as likely benign based on ACMG/AMP sequence variant interpretation guidelines (Richards et al. 2015 PMID: 25741868, with internal and published modifications).

Labcorp Genetics (formerly Invitae), Labcorp
Classification: Uncertain significance. Last evaluated: 2026-01-07. Review status: criteria provided, single submitter. Criteria: Invitae Variant Classification Sherloc (09022015). Collection method: clinical testing. Allele origin: germline.
Comment: This sequence change replaces glutamic acid, which is acidic and polar, with lysine, which is basic and polar, at codon 32 of the EIF2AK1 protein (p.Glu32Lys). This variant is present in population databases (rs754406613, gnomAD 0.07%), and has an allele count higher than expected for a pathogenic variant. This variant has not been reported in the literature in individuals affected with EIF2AK1-related conditions. ClinVar contains an entry for this variant (Variation ID: 2046937). An algorithm developed to predict the effect of missense changes on protein structure and function (PolyPhen-2) suggests that this variant is likely to be disruptive. In summary, the available evidence is currently insufficient to determine the role of this variant in disease. Therefore, it has been classified as a Variant of Uncertain Significance.

Ambry Genetics
Classification: Uncertain significance. Last evaluated: 2024-03-16. Review status: criteria provided, single submitter. Criteria: Ambry Variant Classification Scheme 2023. Collection method: clinical testing. Allele origin: germline.